The following is an entry in ClinVar:

NM_000274.4(OAT):c.901G>T (p.Val301Leu)

Gene: OAT (ornithine aminotransferase; minus strand). Cytogenetic location: 10q26.13.
Variant type: single nucleotide variant.
Coding change: c.901G>T on transcript NM_000274.4 (MANE Select); coding-DNA position 901, G replaced by T.
Protein change: p.Val301Leu; replaces valine 301 with leucine.
Molecular consequence: missense variant.
Genome position (GRCh38, 1-based): chr10:124,401,839, C>A on the plus strand (G>T on the coding strand, the complement: OAT is on the minus strand). VCF-style: chr10-124401839-C-A. GRCh37 (hg19) VCF-style: chr10-126090408-C-A.
Other names: c.487G>T, p.Val163Leu (NM_001171814.2); c.901G>T, p.Val301Leu (NM_001322965.2, NM_001322966.2, NM_001322967.2 and 3 more transcripts); c.580G>T, p.Val194Leu (NM_001322971.2); c.301G>T, p.Val101Leu (NM_001322974.2); short protein forms V101L, V163L, V194L, V301L.
Identifiers: ClinVar variation 3616257 (VCV003616257.1).

ClinVar aggregate classification (germline): Uncertain significance (1 of 4 stars; one submission).

Conditions:
Ornithine aminotransferase deficiency (GACR). Also called: HYPERORNITHINEMIA WITH GYRATE ATROPHY OF CHOROID AND RETINA; OAT DEFICIENCY; OKT DEFICIENCY; Ornithine ketoacid aminotransferase deficiency; Gyrate atrophy; Gyrate atrophy of choroid and retina. Identifiers: Orphanet 414, MedGen C0018425, MONDO:0009796, OMIM 258870.

gnomAD v4.1: 1 of 1,605,616 alleles (0.000062%); highest among the groups gnomAD compares: Non-Finnish European, 0.000085%; no homozygotes.

Submission:

Labcorp Genetics (formerly Invitae), Labcorp
Classification: Uncertain significance for Ornithine aminotransferase deficiency. Last evaluated: 2024-01-29. Review status: criteria provided, single submitter. Criteria: Invitae Variant Classification Sherloc (09022015). Collection method: clinical testing. Allele origin: germline.
Comment: This sequence change replaces valine, which is neutral and non-polar, with leucine, which is neutral and non-polar, at codon 301 of the OAT protein (p.Val301Leu). This variant is not present in population databases (gnomAD no frequency). This variant has not been reported in the literature in individuals affected with OAT-related conditions. An algorithm developed to predict the effect of missense changes on protein structure and function (PolyPhen-2) suggests that this variant¬†is likely to be tolerated. In summary, the available evidence is currently insufficient to determine the role of this variant in disease. Therefore, it has been classified as a Variant of Uncertain Significance.